The following is an entry in ClinVar:

ClinVar aggregate classification (germline): Uncertain significance (1 of 4 stars; one submission).

Conditions:
Arterial tortuosity syndrome (ATORS). Identifiers: Orphanet 3342, MedGen C1859726, MONDO:0008818, OMIM 208050.

Submission:

Labcorp Genetics (formerly Invitae), Labcorp
Classification: Uncertain significance for Arterial tortuosity syndrome. Last evaluated: 2017-02-19. Review status: criteria provided, single submitter. Criteria: Invitae Variant Classification Sherloc (09022015). Collection method: clinical testing. Allele origin: germline.
Comment: In summary, this variant is a novel missense change with uncertain impact on protein function. It has been classified as a Variant of Uncertain Significance. Algorithms developed to predict the effect of missense changes on protein structure and function (SIFT, PolyPhen-2, Align-GVGD) all suggest that this variant is likely to be disruptive, but these predictions have not been confirmed by published functional studies. This variant is not present in population databases (ExAC no frequency) and has not been reported in the literature in individuals with a SLC2A10-related disease. This sequence change replaces glycine with arginine at codon 133 of the SLC2A10 protein (p.Gly133Arg). The glycine residue is highly conserved and there is a moderate physicochemical difference between glycine and arginine.

NM_030777.4(SLC2A10):c.397G>A (p.Gly133Arg)

Gene: SLC2A10 (solute carrier family 2 member 10; plus strand). Cytogenetic location: 20q13.12.
Variant type: single nucleotide variant.
Coding change: c.397G>A on transcript NM_030777.4 (MANE Select); coding-DNA position 397, G replaced by A.
Protein change: p.Gly133Arg; replaces glycine 133 with arginine.
Molecular consequence: missense variant.
Genome position (GRCh38, 1-based): chr20:46,725,433, G>A. VCF-style: chr20-46725433-G-A. GRCh37 (hg19) VCF-style: chr20-45354072-G-A.
Other names: short protein forms G133R.
Identifiers: ClinVar variation 467815 (VCV000467815.9), dbSNP rs1555887907, ClinGen allele CA409266929.
Genomic context (GRCh38, chr20:46,725,433, plus strand): 5'-TCCCTCTCCTCCATGGCTTGCTGTATCTACGTGTCAGAGCTGGTGGGGCCACGGCAGCGG[G>A]GAGTGCTGGTGTCCCTCTATGAGGCAGGCATCACCGTGGGCATCCTGCTCTCCTATGCCC-3'
Protein context (NP_110404.1, residues 123-143): VSELVGPRQR[Gly133Arg]VLVSLYEAGI